The following is an entry in ClinVar:

NM_001159773.2(CANT1):c.-23+25G>A

Gene: CANT1 (calcium activated nucleotidase 1; minus strand). Cytogenetic location: 17q25.3.
Variant type: single nucleotide variant.
Coding change: c.-23+25G>A on transcript NM_001159773.2 (MANE Select); 25 bases into the intron after 23 bases upstream of the start codon, G replaced by A.
Molecular consequence: intron variant. On other transcripts: 5 prime UTR variant (1).
Genome position (GRCh38, 1-based): chr17:78,997,815, C>T on the plus strand (G>A on the coding strand, the complement: CANT1 is on the minus strand). VCF-style: chr17-78997815-C-T. GRCh37 (hg19) VCF-style: chr17-76993897-C-T.
Other names: c.-193G>A (NM_138793.4); c.-23+25G>A (NM_001159772.2).
Identifiers: ClinVar variation 325712 (VCV000325712.8), dbSNP rs3744171, ClinGen allele CA10651226.
Genomic context (GRCh38, chr17:78,997,815, plus strand): 5'-TTCACTACTCTGTGGCCATTCTTACTCCCTTGGCTTAATGAATTCCCGACTCTAGATTCC[C>T]GACTCTAGCAGTATCTTTGCTTACTTTCATTCGGCAAGACGTGAAGTCTTTCCACAGCAA-3'

ClinVar aggregate classification (germline): Benign. Review status: criteria provided, multiple submitters, no conflicts (2 of 4 stars). 3 submissions from 3 submitters: Benign (3). Last evaluated 2021-05-10.

Conditions:
Desbuquois dysplasia 1 (DBQD1). Also called: MICROMELIC DWARFISM WITH VERTEBRAL AND METAPHYSEAL ABNORMALITIES AND ADVANCED CARPOTARSAL OSSIFICATION; DESBUQUOIS DYSPLASIA 1, KIM VARIANT. Identifiers: Orphanet 1425, MedGen C4012146, MONDO:0009629, OMIM 251450.

Allele frequency attached by ClinVar (database versions not stated): gnomAD exomes 0.10860; gnomAD 0.12298 and 0.12552; TOPMed 0.12840; 1000 Genomes Project 30x 0.16943; 1000 Genomes Project 0.17153.

Submissions (3):

GeneDx
Classification: Benign. Last evaluated: 2021-05-10. Review status: criteria provided, single submitter. Criteria: GeneDx Variant Classification Process June 2021. Collection method: clinical testing. Allele origin: germline. Affected: yes.

Illumina Laboratory Services, Illumina
Classification: Benign for Desbuquois dysplasia 1. Last evaluated: 2018-01-13. Review status: criteria provided, single submitter. Criteria: ICSL Variant Classification Criteria 13 December 2019. Collection method: clinical testing. Allele origin: germline.
Comment: This variant was observed in the ICSL laboratory as part of a predisposition screen in an ostensibly healthy population. It had not been previously curated by ICSL or reported in the Human Gene Mutation Database (HGMD: prior to June 1st, 2018), and was therefore a candidate for classification through an automated scoring system. Utilizing variant allele frequency, disease prevalence and penetrance estimates, and inheritance mode, an automated score was calculated to assess if this variant is too frequent to cause the disease. Based on the score and internal cut-off values, a variant classified as benign is not then subjected to further curation. The score for this variant resulted in a classification of benign for this disease.

Breakthrough Genomics
Classification: Benign. Review status: criteria provided, single submitter. Criteria: ACMG Guidelines, 2015. Collection method: not provided. Allele origin: germline. Inheritance: Autosomal recessive inheritance. Affected: yes.